The following is an entry in ClinVar:

NM_004984.4(KIF5A):c.3070C>T (p.Pro1024Ser)

Gene: KIF5A (kinesin family member 5A; plus strand). Cytogenetic location: 12q13.3.
Variant type: single nucleotide variant.
Coding change: c.3070C>T on transcript NM_004984.4 (MANE Select); coding-DNA position 3070, C replaced by T.
Protein change: p.Pro1024Ser; replaces proline 1024 with serine.
Molecular consequence: missense variant.
Genome position (GRCh38, 1-based): chr12:57,583,150, C>T. VCF-style: chr12-57583150-C-T. GRCh37 (hg19) VCF-style: chr12-57976933-C-T.
Other names: c.2803C>T, p.Pro935Ser (NM_001354705.2); short protein forms P1024S, P935S.
Identifiers: ClinVar variation 1803677 (VCV001803677.1), dbSNP rs1441630174, ClinGen allele CA385517584.

ClinVar aggregate classification (germline): Uncertain significance (1 of 4 stars; one submission).

Submission:

GeneDx
Classification: Uncertain significance. Last evaluated: 2022-06-09. Review status: criteria provided, single submitter. Criteria: GeneDx Variant Classification Process June 2021. Collection method: clinical testing. Allele origin: germline. Affected: yes.
Comment: Not observed at significant frequency in large population cohorts (gnomAD); In silico analysis supports that this missense variant does not alter protein structure/function; Has not been previously published as pathogenic or benign to our knowledge